The following is an entry in ClinVar:

NM_001267550.2(TTN):c.15740G>A (p.Gly5247Glu)

Gene: TTN (titin; minus strand). Cytogenetic location: 2q31.2.
Variant type: single nucleotide variant.
Coding change: c.15740G>A on transcript NM_001267550.2 (MANE Select); coding-DNA position 15740, G replaced by A.
Protein change: p.Gly5247Glu; replaces glycine 5247 with glutamic acid.
Molecular consequence: missense variant. On other transcripts: intron variant (3).
Genome position (GRCh38, 1-based): chr2:178,733,649, C>T on the plus strand (G>A on the coding strand, the complement: TTN is on the minus strand). VCF-style: chr2-178733649-C-T. GRCh37 (hg19) VCF-style: chr2-179598376-C-T.
Other names: c.14789G>A, p.Gly4930Glu (NM_001256850.1); c.12008G>A, p.Gly4003Glu (NM_133378.4); c.13282+4433G>A (NM_003319.4); c.13858+4433G>A (NM_133437.4); c.13657+4433G>A (NM_133432.3); short protein forms G4003E, G4930E, G5247E.
Identifiers: ClinVar variation 3768105 (VCV003768105.1).

ClinVar aggregate classification (germline): Uncertain significance (1 of 4 stars; one submission).

gnomAD v4.1: 7 of 1,612,750 alleles (0.00043%); highest among the groups gnomAD compares: East Asian, 0.016%; no homozygotes.

Submission:

Women's Health and Genetics/Laboratory Corporation of America, LabCorp
Classification: Uncertain significance. Last evaluated: 2024-12-11. Review status: criteria provided, single submitter. Criteria: LabCorp Variant Classification Summary - May 2015. Collection method: clinical testing. Allele origin: germline.
Comment: Variant summary: TTN c.12008G>A (p.Gly4003Glu) results in a non-conservative amino acid change located in the I-band of the encoded protein sequence. Three of three in-silico tools predict a damaging effect of the variant on protein function. The variant was absent in 248274 control chromosomes. The available data on variant occurrences in the general population are insufficient to allow any conclusion about variant significance. To our knowledge, no occurrence of c.12008G>A in individuals affected with Autosomal Recessive Titinopathy and no experimental evidence demonstrating its impact on protein function have been reported. No submitters have cited clinical-significance assessments for this variant to ClinVar. Based on the evidence outlined above, the variant was classified as uncertain significance.